The following is an entry in ClinVar:

NM_015909.4(NBAS):c.3481C>G (p.Pro1161Ala)

Gene: NBAS (NBAS subunit of NRZ tethering complex; minus strand). Cytogenetic location: 2p24.3.
Variant type: single nucleotide variant.
Coding change: c.3481C>G on transcript NM_015909.4 (MANE Select); coding-DNA position 3481, C replaced by G.
Protein change: p.Pro1161Ala; replaces proline 1161 with alanine.
Molecular consequence: missense variant. On other transcripts: non-coding transcript variant (1).
Genome position (GRCh38, 1-based): chr2:15,379,711, G>C on the plus strand (C>G on the coding strand, the complement: NBAS is on the minus strand). VCF-style: chr2-15379711-G-C. GRCh37 (hg19) VCF-style: chr2-15519835-G-C.
Other names: short protein forms P1161A.
Identifiers: ClinVar variation 1908761 (VCV001908761.2), dbSNP rs368110991, ClinGen allele CA42637255.

ClinVar aggregate classification (germline): Uncertain significance (1 of 4 stars; one submission).

gnomAD v4.1: 168 of 1,613,926 alleles (0.01%); highest among the groups gnomAD compares: Non-Finnish European, 0.014%; no homozygotes.

Submission:

Labcorp Genetics (formerly Invitae), Labcorp
Classification: Uncertain significance. Last evaluated: 2022-06-10. Review status: criteria provided, single submitter. Criteria: Invitae Variant Classification Sherloc (09022015). Collection method: clinical testing. Allele origin: germline.
Comment: This sequence change replaces proline, which is neutral and non-polar, with alanine, which is neutral and non-polar, at codon 1161 of the NBAS protein (p.Pro1161Ala). This variant is present in population databases (rs368110991, gnomAD 0.002%). This variant has not been reported in the literature in individuals affected with NBAS-related conditions. Algorithms developed to predict the effect of missense changes on protein structure and function output the following: SIFT: "Deleterious"; PolyPhen-2: "Benign"; Align-GVGD: "Class C25". The alanine amino acid residue is found in multiple mammalian species, which suggests that this missense change does not adversely affect protein function. In summary, the available evidence is currently insufficient to determine the role of this variant in disease. Therefore, it has been classified as a Variant of Uncertain Significance.